The following is an entry in ClinVar:

ClinVar aggregate classification (germline): Likely benign. Review status: criteria provided, single submitter (1 of 4 stars). 2 submissions from 2 submitters: Likely benign (1). 1 of the submissions does not count toward it. Last evaluated 2022-04-01.

Conditions:
MUC16-related disorder. Also called: MUC16-related condition.

Allele frequency attached by ClinVar (database versions not stated): 1000 Genomes Project 0.00180; ExAC 0.00028; gnomAD 0.00079; TOPMed 0.00084; ESP Exome Variant Server 0.00088; 1000 Genomes Project 30x 0.00172.

Submissions (2):

CeGaT Center for Human Genetics Tuebingen
Classification: Likely benign. Last evaluated: 2022-04-01. Review status: criteria provided, single submitter. Criteria: CeGaT Center For Human Genetics Tuebingen Variant Classification Criteria Version 2. Collection method: clinical testing. Allele origin: germline. Affected: yes. Observed: 1 variant allele.
Comment: MUC16: BP4, BP7

PreventionGenetics, part of Exact Sciences
Classification: Likely benign for MUC16-related condition. Last evaluated: 2019-06-27. Review status: no assertion criteria provided. Collection method: clinical testing. Allele origin: germline. Not counted in ClinVar's aggregate classification.
Comment: This variant is classified as likely benign based on ACMG/AMP sequence variant interpretation guidelines (Richards et al. 2015 PMID: 25741868, with internal and published modifications).

NM_001401501.2(MUC16):c.32133T>G (p.Thr10711=)

Gene: MUC16 (mucin 16, cell surface associated; minus strand). Cytogenetic location: 19p13.2.
Variant type: single nucleotide variant.
Coding change: c.32133T>G on transcript NM_001401501.2 (MANE Select); coding-DNA position 32133, T replaced by G.
Protein change: p.Thr10711=; no amino-acid change (threonine 10711 retained).
Molecular consequence: synonymous variant.
Genome position (GRCh38, 1-based): chr19:8,938,942, A>C on the plus strand (T>G on the coding strand, the complement: MUC16 is on the minus strand). VCF-style: chr19-8938942-A-C. GRCh37 (hg19) VCF-style: chr19-9049618-A-C.
Other names: c.32559T>G, p.Thr10853= (NM_001414686.1); c.32013T>G, p.Thr10671= (NM_001414687.1, NM_024690.2).
Identifiers: ClinVar variation 2649236 (VCV002649236.25), dbSNP rs182423241, ClinGen allele CA9166742.